The following is an entry in ClinVar:

ClinVar aggregate classification (germline): Uncertain significance (1 of 4 stars; one submission).

Conditions:
Developmental and epileptic encephalopathy, 1 (DEE1). Also called: X-linked infantile spasms; West's syndrome; Tonic spasms with clustering, arrest of psychomotor development and hypsarrhythmia on EEG; X-Linked Infantile Spasm Syndrome; OHTAHARA SYNDROME, X-LINKED; INFANTILE SPASM SYNDROME, X-LINKED 1. Identifiers: MedGen C3463992, MONDO:0010632, OMIM 308350. Disease mechanism: loss of function.
Intellectual disability, X-linked, with or without seizures, ARX-related. Also called: MENTAL RETARDATION, X-LINKED 29; MENTAL RETARDATION, X-LINKED 32; MENTAL RETARDATION, X-LINKED 33; MENTAL RETARDATION, X-LINKED 38; MENTAL RETARDATION, X-LINKED 43; MENTAL RETARDATION, X-LINKED 76. Identifiers: Orphanet 777, MedGen C0796244, MONDO:0010317, OMIM 300419.

Allele frequency attached by ClinVar (database versions not stated): TOPMed below 0.00001.

Submission:

Labcorp Genetics (formerly Invitae), Labcorp
Classification: Uncertain significance for Developmental and epileptic encephalopathy, 1; Intellectual disability, X-linked, with or without seizures, ARX-related. Last evaluated: 2021-04-24. Review status: criteria provided, single submitter. Criteria: Invitae Variant Classification Sherloc (09022015). Collection method: clinical testing. Allele origin: germline.
Comment: This variant has not been reported in the literature in individuals with ARX-related conditions. The frequency data for this variant in the population databases is considered unreliable, as metrics indicate insufficient coverage at this position in the ExAC database. This sequence change replaces alanine with glycine at codon 188 of the ARX protein (p.Ala188Gly). The alanine residue is moderately conserved and there is a small physicochemical difference between alanine and glycine. Advanced modeling of protein sequence and biophysical properties (such as structural, functional, and spatial information, amino acid conservation, physicochemical variation, residue mobility, and thermodynamic stability) performed at Invitae indicates that this missense variant is not expected to disrupt ARX protein function. In summary, the available evidence is currently insufficient to determine the role of this variant in disease. Therefore, it has been classified as a Variant of Uncertain Significance.

NM_139058.3(ARX):c.563C>G (p.Ala188Gly)

Gene: ARX (aristaless related homeobox; minus strand). Cytogenetic location: Xp21.3.
Variant type: single nucleotide variant.
Coding change: c.563C>G on transcript NM_139058.3 (MANE Select); coding-DNA position 563, C replaced by G.
Protein change: p.Ala188Gly; replaces alanine 188 with glycine.
Molecular consequence: missense variant.
Genome position (GRCh38, 1-based): chrX:25,013,432, G>C on the plus strand (C>G on the coding strand, the complement: ARX is on the minus strand). VCF-style: chrX-25013432-G-C. GRCh37 (hg19) VCF-style: chrX-25031549-G-C.
Other names: short protein forms A188G.
Identifiers: ClinVar variation 1500848 (VCV001500848.8), dbSNP rs1441240819, ClinGen allele CA412612906.